The following is an entry in ClinVar:

ClinVar aggregate classification (germline): Benign/Likely benign. Review status: criteria provided, multiple submitters, no conflicts (2 of 4 stars). 4 submissions from 4 submitters: Benign (1); Likely benign (3). Last evaluated 2026-08-18.

Conditions:
Hereditary cancer-predisposing syndrome. Also called: Hereditary neoplastic syndrome; Neoplastic Syndromes, Hereditary; Tumor predisposition; Hereditary Cancer Syndrome. Identifiers: Orphanet 140162, MedGen C0027672, MeSH D009386, MONDO:0015356.
DICER1-related tumor predisposition. Also called: DICER1 syndrome; DICER1-related pleuropulmonary blastoma cancer predisposition syndrome. Identifiers: Orphanet 284343, MedGen C3839822, MONDO:0100216.

Submissions (4):

Myriad Genetics, Inc.
Classification: Benign for DICER1-related tumor predisposition. Last evaluated: 2026-08-18. Review status: criteria provided, single submitter. Criteria: Myriad Autosomal Dominant, Autosomal Recessive and X-Linked Classification Criteria (2023). Collection method: clinical testing. Allele origin: unknown.
Comment: This variant is considered benign. This variant is a silent/synonymous amino acid change and it is not expected to impact splicing.

Ambry Genetics
Classification: Likely benign for Hereditary cancer-predisposing syndrome. Last evaluated: 2023-10-06. Review status: criteria provided, single submitter. Criteria: Ambry Variant Classification Scheme 2023. Collection method: clinical testing. Allele origin: germline.

Labcorp Genetics (formerly Invitae), Labcorp
Classification: Likely benign for DICER1-related tumor predisposition. Last evaluated: 2021-10-01. Review status: criteria provided, single submitter. Criteria: Invitae Variant Classification Sherloc (09022015). Collection method: clinical testing. Allele origin: germline.

PreventionGenetics, part of Exact Sciences
Classification: Likely benign. Last evaluated: 2018-11-26. Review status: criteria provided, single submitter. Criteria: ACMG Guidelines, 2015. Collection method: clinical testing. Allele origin: germline.

NM_177438.3(DICER1):c.2313T>C (p.Tyr771=)

Gene: DICER1 (dicer 1, ribonuclease III; minus strand). Cytogenetic location: 14q32.13.
Variant type: single nucleotide variant.
Coding change: c.2313T>C on transcript NM_177438.3 (MANE Select); coding-DNA position 2313, T replaced by C.
Protein change: p.Tyr771=; no amino-acid change (tyrosine 771 retained).
Molecular consequence: synonymous variant.
Genome position (GRCh38, 1-based): chr14:95,108,447, A>G on the plus strand (T>C on the coding strand, the complement: DICER1 is on the minus strand). VCF-style: chr14-95108447-A-G. GRCh37 (hg19) VCF-style: chr14-95574784-A-G.
Other names: c.2313T>C, p.Tyr771= (NM_001195573.1, NM_001271282.3, NM_001291628.2 and 1 more transcripts).
Identifiers: ClinVar variation 690465 (VCV000690465.15), dbSNP rs1595382343, ClinGen allele CA487628447.
Genomic context (GRCh38, chr14:95,108,447, plus strand): 5'-CTTCCGCCTTCTAAAGTTGAGTTCATCAGGTAAAGGTGTAGTTAAAACCATTCCTATCAC[A>G]TACAGGTAACAGGGCTGATCAGGTCTGGGATAACTATCCCTCAAACACTCTGGAATCTAG-3'
Protein context (NP_803187.1, residues 761-781): YPRPDQPCYL[Tyr771=]VIGMVLTTPL